The following is an entry in ClinVar:

NM_000535.7(PMS2):c.1010C>T (p.Thr337Ile)

Gene: PMS2 (PMS1 homolog 2, mismatch repair system component; minus strand). Cytogenetic location: 7p22.1.
Variant type: single nucleotide variant.
Coding change: c.1010C>T on transcript NM_000535.7 (MANE Select); coding-DNA position 1010, C replaced by T.
Protein change: p.Thr337Ile; replaces threonine 337 with isoleucine.
Molecular consequence: missense variant. On other transcripts: non-coding transcript variant (1), intron variant (2).
Genome position (GRCh38, 1-based): chr7:5,989,934, G>A on the plus strand (C>T on the coding strand, the complement: PMS2 is on the minus strand). VCF-style: chr7-5989934-G-A. GRCh37 (hg19) VCF-style: chr7-6029565-G-A.
Other names: c.605C>T, p.Thr202Ile (NM_001018040.1, NM_001322003.2, NM_001322004.2 and 17 more transcripts); c.692C>T, p.Thr231Ile (NM_001322007.2, NM_001322008.2, NM_001406876.1 and 2 more transcripts); c.77C>T, p.Thr26Ile (NM_001322011.2, NM_001322012.2); c.437C>T, p.Thr146Ile (NM_001322013.2, NM_001406909.1); c.1010C>T, p.Thr337Ile (NM_001322014.2, NM_001406871.1, NM_001406872.1); c.701C>T, p.Thr234Ile (NM_001322015.2, NM_001406875.1, NM_001406877.1 and 5 more transcripts); c.1196C>T, p.Thr399Ile (NM_001406866.1); c.1034C>T, p.Thr345Ile (NM_001406868.1); and 9 more; short protein forms T166I, T271I, T146I, T202I, T301I, T225I, T231I, T234I.
Identifiers: ClinVar variation 2091942 (VCV002091942.5), dbSNP rs2128748739, ClinGen allele CA366742996.

ClinVar aggregate classification (germline): Uncertain significance. Review status: criteria provided, multiple submitters, no conflicts (2 of 4 stars). 2 submissions from 2 submitters: Uncertain significance (2). Last evaluated 2025-05-04.

Conditions:
Hereditary nonpolyposis colorectal neoplasms. Identifiers: MedGen C0009405, MeSH D003123.
Hereditary cancer-predisposing syndrome. Also called: Tumor predisposition; Hereditary Cancer Syndrome; Hereditary neoplastic syndrome; Neoplastic Syndromes, Hereditary. Identifiers: Orphanet 140162, MedGen C0027672, MeSH D009386, MONDO:0015356.

Submissions (2):

Ambry Genetics
Classification: Uncertain significance for Hereditary cancer-predisposing syndrome. Last evaluated: 2025-05-04. Review status: criteria provided, single submitter. Criteria: Ambry Variant Classification Scheme 2023. Collection method: clinical testing. Allele origin: germline.
Comment: The p.T337I variant (also known as c.1010C>T), located in coding exon 10 of the PMS2 gene, results from a C to T substitution at nucleotide position 1010. The threonine at codon 337 is replaced by isoleucine, an amino acid with similar properties. This nucleotide position is highly conserved in available vertebrate species. In silico splice site analysis predicts that this alteration will result in the creation or strengthening of a novel splice acceptor site. RNA studies have demonstrated that this alteration does not result in abnormal splicing in the set of samples tested (Ambry internal data). This amino acid position is highly conserved in available vertebrate species. In addition, as a missense substitution this is predicted to predicted to be deleterious by in silico analysis. Based on the available evidence, the clinical significance of this variant remains unclear.

Labcorp Genetics (formerly Invitae), Labcorp
Classification: Uncertain significance for Hereditary nonpolyposis colorectal neoplasms. Last evaluated: 2022-03-12. Review status: criteria provided, single submitter. Criteria: Invitae Variant Classification Sherloc (09022015). Collection method: clinical testing. Allele origin: germline.
Comment: In summary, the available evidence is currently insufficient to determine the role of this variant in disease. Therefore, it has been classified as a Variant of Uncertain Significance. Algorithms developed to predict the effect of sequence changes on RNA splicing suggest that this variant may create or strengthen a splice site. Algorithms developed to predict the effect of missense changes on protein structure and function (SIFT, PolyPhen-2, Align-GVGD) all suggest that this variant is likely to be disruptive. This variant has not been reported in the literature in individuals affected with PMS2-related conditions. This variant is not present in population databases (gnomAD no frequency). This sequence change replaces threonine, which is neutral and polar, with isoleucine, which is neutral and non-polar, at codon 337 of the PMS2 protein (p.Thr337Ile).